The following is an entry in ClinVar:

ClinVar aggregate classification (germline): Uncertain significance. Review status: criteria provided, multiple submitters, no conflicts (2 of 4 stars). 2 submissions from 2 submitters: Uncertain significance (2). Last evaluated 2025-11-24.

Conditions:
Axenfeld-Rieger syndrome type 3 (RIEG3). Also called: AXENFELD-RIEGER ANOMALY WITH CARDIAC DEFECTS AND/OR SENSORINEURAL HEARING LOSS. Identifiers: Orphanet 782, MedGen C2678503, MONDO:0011233, OMIM 602482.
Anterior segment dysgenesis 3 (ASGD3). Also called: IRIDOGONIODYSGENESIS ANOMALY, AUTOSOMAL DOMINANT; Glaucoma iridogoniodysplasia, familial. Identifiers: Orphanet 91483, MedGen C5975707, MONDO:0024456, OMIM 601631.

Submissions (2):

Labcorp Genetics (formerly Invitae), Labcorp
Classification: Uncertain significance for Axenfeld-Rieger syndrome type 3. Last evaluated: 2025-11-24. Review status: criteria provided, single submitter. Criteria: Invitae Variant Classification Sherloc (09022015). Collection method: clinical testing. Allele origin: germline.
Comment: This variant, c.529_531del, results in the deletion of 1 amino acid(s) of the FOXC1 protein (p.Lys177del), but otherwise preserves the integrity of the reading frame. This variant is present in population databases (no rsID available, gnomAD 0.01%). This variant has not been reported in the literature in individuals affected with FOXC1-related conditions. Experimental studies and prediction algorithms are not available or were not evaluated, and the functional significance of this variant is currently unknown. In summary, the available evidence is currently insufficient to determine the role of this variant in disease. Therefore, it has been classified as a Variant of Uncertain Significance.

Fulgent Genetics
Classification: Uncertain significance for Anterior segment dysgenesis 3; Axenfeld-Rieger syndrome type 3. Last evaluated: 2024-01-18. Review status: criteria provided, single submitter. Criteria: ACMG Guidelines, 2015. Collection method: clinical testing. Allele origin: germline.

NM_001453.3(FOXC1):c.523AAG[2] (p.Lys177del)

Gene: FOXC1 (forkhead box C1; plus strand). Cytogenetic location: 6p25.3.
Variant type: Microsatellite.
Coding change: c.523AAG[2] on transcript NM_001453.3 (MANE Select); two copies in a row of the 3-base unit AAG starting at c.523; the reference has three copies in a row; one copy, 3 bases deleted; also written c.529_531del.
Protein change: p.Lys177del; deletes lysine 177.
Molecular consequence: inframe deletion.
Genome position (GRCh38, 1-based): chr6:1,610,974-1,610,976, AAG deleted; deleting any 3 consecutive bases within chr6:1,610,968-1,610,976 gives the same sequence; the position shown is the placement nearest the transcript's 3' end. VCF-style (leftmost placement, unchanged base first): chr6-1610967-CAAG-C. GRCh37 (hg19) VCF-style: chr6-1611202-CAAG-C.
Other names: c.529_531del (NM_001453.3); short protein forms K177del.
Identifiers: ClinVar variation 2060129 (VCV002060129.5), dbSNP rs1428084900, ClinGen allele CA565356184.